The following is an entry in ClinVar:

ClinVar aggregate classification (germline): Likely benign (1 of 4 stars; one submission).

Allele frequency attached by ClinVar (database versions not stated): gnomAD exomes 0.00002; ExAC 0.00003; gnomAD 0.00003; TOPMed 0.00006; ESP Exome Variant Server 0.00023.

Submission:

CeGaT Center for Human Genetics Tuebingen
Classification: Likely benign. Last evaluated: 2023-03-01. Review status: criteria provided, single submitter. Criteria: CeGaT Center For Human Genetics Tuebingen Variant Classification Criteria Version 2. Collection method: clinical testing. Allele origin: germline. Affected: yes. Observed: 1 variant allele.
Comment: DUSP4: BP4, BP7

NM_001394.7(DUSP4):c.846G>A (p.Ala282=)

Gene: DUSP4 (dual specificity phosphatase 4; minus strand). Cytogenetic location: 8p12.
Variant type: single nucleotide variant.
Coding change: c.846G>A on transcript NM_001394.7 (MANE Select); coding-DNA position 846, G replaced by A.
Protein change: p.Ala282=; no amino-acid change (alanine 282 retained).
Molecular consequence: synonymous variant.
Genome position (GRCh38, 1-based): chr8:29,337,365, C>T on the plus strand (G>A on the coding strand, the complement: DUSP4 is on the minus strand). VCF-style: chr8-29337365-C-T. GRCh37 (hg19) VCF-style: chr8-29194882-C-T.
Other names: c.573G>A, p.Ala191= (NM_057158.4).
Identifiers: ClinVar variation 2658511 (VCV002658511.24), dbSNP rs141546461, ClinGen allele CA4699370.
Genomic context (GRCh38, chr8:29,337,365, plus strand): 5'-CCTCACCCGTTTCTTCATCATCAGGTAGGCCAGGCAGATGGTGGCCGACCGCGAGATGCC[C>T]GCCTGGCAGTGCACCAGCACGCGCCCACGGCAGTCCTTCACGGCATCTGGGGACAGGGTT-3'
Protein context (NP_001385.1, residues 272-292): CRGRVLVHCQ[Ala282=]GISRSATICL